The following is an entry in ClinVar:

ClinVar aggregate classification (germline): Uncertain significance. Review status: reviewed by expert panel (3 of 4 stars). 5 submissions from 5 submitters: Uncertain significance (1). 4 of the submissions do not count toward it. Last evaluated 2026-06-23.

Conditions:
Leber congenital amaurosis 2 (LCA2). Also called: AMAUROSIS CONGENITA OF LEBER II; Autosomal Recessive RPE65-Related Retinal Degeneration. Identifiers: Orphanet 65, MedGen C1859844, MONDO:0008765, OMIM 204100. Disease mechanism: loss of function.
Retinitis pigmentosa 20 (RP20). Identifiers: Orphanet 791, MedGen C3151086, MONDO:0013425, OMIM 613794.
Leber congenital amaurosis (LCA). Also called: Leber's amaurosis. Identifiers: Orphanet 65, MedGen C0339527, MeSH D057130, MONDO:0018998.
RPE65-related recessive retinopathy. Also called: Recessive RPE65 retinopathy. Identifiers: MedGen CN305526, MONDO:0100368.

Allele frequency attached by ClinVar (database versions not stated): gnomAD 0.00001; ExAC 0.00002; gnomAD exomes 0.00002; TOPMed 0.00003.
gnomAD v4.1: 119 of 1,613,958 alleles (0.0074%); highest among the groups gnomAD compares: Middle Eastern, 0.016%; no homozygotes.

Submissions (5):

ClinGen Leber Congenital Amaurosis/early Onset Retinal Dystrophy Variant Curation Expert Panel, ClinGen
Classification: Uncertain significance for RPE65-related recessive retinopathy. Last evaluated: 2026-06-23. Review status: reviewed by expert panel. Criteria: ClinGen LCAeoRD ACMG Specifications RPE65 V1.0.0. Collection method: curation. Allele origin: germline. Inheritance: Autosomal recessive inheritance.
Comment: NM_000329.3(RPE65):c.953A>G (p.Tyr318Cys) is a missense variant causing substitution of tyrosine with cysteine at amino acid 318. Another missense variant in the same codon, NM_000329.3(RPE65):c.952T>A (p.Tyr318Asn), has been classified as Pathogenic for RPE65-related recessive retinopathy by the ClinGen LCA / eoRD VCEP (PM5). Splicing prediction using SpliceAI did not strongly predict an effect on splicing due to either of these variants. This variant is present in gnomAD v.4.1.1 at a GrpMax allele frequency of 0.00008424, with 117 alleles / 1,179,962 total alleles in the European (non-Finnish) population, which is lower than the ClinGen LCA / eoRD VCEP PM2_Supporting threshold of <0.0002 (PM2_Supporting). This variant has been submitted to ClinVar as a germline observation in a patient who underwent clinical testing, but without details provided about a potential condition and with no second variant mentioned (ClinVar Accession #: SCV001992416.2). The computational predictor REVEL gives a score of 0.865, which is above the ClinGen LCA / eoRD VCEP threshold of ≥0.773 and predicts a damaging effect on RPE65 function (PP3_Moderate). The splicing impact predictor SpliceAI gives a score of 0.00, which is below the ClinGen LCA / eoRD VCEP recommended threshold of ≥0.2 and does not strongly predict an impact on splicing. In summary, this variant meets the criteria to be classified as a Variant of Uncertain Significance for RPE65-related recessive retinopathy based on the ACMG/AMP criteria applied, as specified by the ClinGen LCA / eoRD VCEP: PM2_Supporitng, PP3_Moderate, and PM5. (VCEP specifications version 1.0.0; date of approval 09/21/2023).

Labcorp Genetics (formerly Invitae), Labcorp
Classification: Uncertain significance for Leber congenital amaurosis 2; Retinitis pigmentosa 20. Last evaluated: 2025-10-06. Review status: criteria provided, single submitter. Criteria: Invitae Variant Classification Sherloc (09022015). Collection method: clinical testing. Allele origin: germline. Not counted in ClinVar's aggregate classification.
Comment: This sequence change replaces tyrosine, which is neutral and polar, with cysteine, which is neutral and slightly polar, at codon 318 of the RPE65 protein (p.Tyr318Cys). This variant is present in population databases (rs761284021, gnomAD 0.004%). This variant has not been reported in the literature in individuals affected with RPE65-related conditions. ClinVar contains an entry for this variant (Variation ID: 951360). Invitae Evidence Modeling of protein sequence and biophysical properties (such as structural, functional, and spatial information, amino acid conservation, physicochemical variation, residue mobility, and thermodynamic stability) indicates that this missense variant is expected to disrupt RPE65 protein function with a positive predictive value of 80%. This variant disrupts the p.Tyr318 amino acid residue in RPE65. Other variant(s) that disrupt this residue have been determined to be pathogenic (PMID: 19431183, 24849605, 29332120; internal data). This suggests that this residue is clinically significant, and that variants that disrupt this residue are likely to be disease-causing. In summary, the available evidence is currently insufficient to determine the role of this variant in disease. Therefore, it has been classified as a Variant of Uncertain Significance.

Blueprint Genetics
Classification: Uncertain significance. Last evaluated: 2021-04-26. Review status: criteria provided, single submitter. Criteria: ACMG Guidelines, 2015. Collection method: clinical testing. Allele origin: germline. Not counted in ClinVar's aggregate classification.

GeneDx
Classification: Uncertain significance. Last evaluated: 2019-05-07. Review status: criteria provided, single submitter. Criteria: GeneDx Variant Classification Process June 2021. Collection method: clinical testing. Allele origin: germline. Affected: yes. Not counted in ClinVar's aggregate classification.
Comment: In silico analysis, which includes protein predictors and evolutionary conservation, supports a deleterious effect; Has not been previously published as pathogenic or benign to our knowledge; A different missense change at this residue (Y318N) has been reported in the Human Gene Mutation Database in individuals with Leber congenital amaurosis (Stenson et al., 2014)

Natera, Inc.
Classification: Uncertain significance for Leber congenital amaurosis. Last evaluated: 2021-05-10. Review status: no assertion criteria provided. Collection method: clinical testing. Allele origin: germline. Not counted in ClinVar's aggregate classification.

Literature cited by the submitters: PubMed 19431183 (cited by Labcorp Genetics (formerly Invitae), Labcorp); PubMed 24849605 (cited by Labcorp Genetics (formerly Invitae), Labcorp); PubMed 29332120 (cited by Labcorp Genetics (formerly Invitae), Labcorp).

NM_000329.3(RPE65):c.953A>G (p.Tyr318Cys)

Gene: RPE65 (retinoid isomerohydrolase RPE65; minus strand). Cytogenetic location: 1p31.3.
Variant type: single nucleotide variant.
Coding change: c.953A>G on transcript NM_000329.3 (MANE Select); coding-DNA position 953, A replaced by G.
Protein change: p.Tyr318Cys; replaces tyrosine 318 with cysteine.
Molecular consequence: missense variant.
Genome position (GRCh38, 1-based): chr1:68,438,987, T>C on the plus strand (A>G on the coding strand, the complement: RPE65 is on the minus strand). VCF-style: chr1-68438987-T-C. GRCh37 (hg19) VCF-style: chr1-68904670-T-C.
Other names: NM_000329.3(RPE65):c.953A>G; p.Tyr318Cys; short protein forms Y318C.
Identifiers: ClinVar variation 951360 (VCV000951360.8), dbSNP rs761284021, ClinGen allele CA902339.